The following is an entry in ClinVar:

ClinVar aggregate classification (germline): Uncertain significance. Review status: criteria provided, multiple submitters, no conflicts (2 of 4 stars). 2 submissions from 2 submitters: Uncertain significance (2). Last evaluated 2025-05-29.

Conditions:
Inborn genetic diseases. Identifiers: MedGen C0950123, MeSH D030342.

Allele frequency attached by ClinVar (database versions not stated): TOPMed 0.00001; gnomAD 0.00001.
gnomAD v4.1: 2 of 1,607,326 alleles (0.00012%); highest among the groups gnomAD compares: African/African-American, 0.0013%; no homozygotes.

Submissions (2):

Ambry Genetics
Classification: Uncertain significance for Inborn genetic diseases. Last evaluated: 2025-05-29. Review status: criteria provided, single submitter. Criteria: Ambry Variant Classification Scheme 2023. Collection method: clinical testing. Allele origin: germline.

Labcorp Genetics (formerly Invitae), Labcorp
Classification: Uncertain significance. Last evaluated: 2022-07-19. Review status: criteria provided, single submitter. Criteria: Invitae Variant Classification Sherloc (09022015). Collection method: clinical testing. Allele origin: germline.
Comment: This sequence change replaces proline, which is neutral and non-polar, with alanine, which is neutral and non-polar, at codon 958 of the MYO15A protein (p.Pro958Ala). This variant is not present in population databases (gnomAD no frequency). This variant has not been reported in the literature in individuals affected with MYO15A-related conditions. Advanced modeling of protein sequence and biophysical properties (such as structural, functional, and spatial information, amino acid conservation, physicochemical variation, residue mobility, and thermodynamic stability) performed at Invitae indicates that this missense variant is not expected to disrupt MYO15A protein function. In summary, the available evidence is currently insufficient to determine the role of this variant in disease. Therefore, it has been classified as a Variant of Uncertain Significance.

NM_016239.4(MYO15A):c.2872C>G (p.Pro958Ala)

Gene: MYO15A (myosin XVA; plus strand). Cytogenetic location: 17p11.2.
Variant type: single nucleotide variant.
Coding change: c.2872C>G on transcript NM_016239.4 (MANE Select); coding-DNA position 2872, C replaced by G.
Protein change: p.Pro958Ala; replaces proline 958 with alanine.
Molecular consequence: missense variant.
Genome position (GRCh38, 1-based): chr17:18,121,672, C>G. VCF-style: chr17-18121672-C-G. GRCh37 (hg19) VCF-style: chr17-18024986-C-G.
Other names: c.2872C>G (NM_016239.3); short protein forms P958A.
Identifiers: ClinVar variation 1974587 (VCV001974587.3), dbSNP rs1228184064, ClinGen allele CA398585650.
Genomic context (GRCh38, chr17:18,121,672, plus strand): 5'-CGCCCACCCTCCCCCTGGCCAGGAGGTGCAGGCAGCCGCCGAGGCTTTTCCAGGCCACCC[C>G]CTGTGCCGGAAAACCCCTTTCTCCAGCTCCTGGGCCCTGTGCCATCCCCCACCCTCCAGC-3'
Protein context (NP_057323.3, residues 948-968): GSRRGFSRPP[Pro958Ala]VPENPFLQLL